The following is an entry in ClinVar:

NM_001025356.3(ANO6):c.1662G>A (p.Met554Ile)

Gene: ANO6 (anoctamin 6; plus strand). Cytogenetic location: 12q12.
Variant type: single nucleotide variant.
Coding change: c.1662G>A on transcript NM_001025356.3 (MANE Select); coding-DNA position 1662, G replaced by A.
Protein change: p.Met554Ile; replaces methionine 554 with isoleucine.
Molecular consequence: missense variant.
Genome position (GRCh38, 1-based): chr12:45,403,121, G>A. VCF-style: chr12-45403121-G-A. GRCh37 (hg19) VCF-style: chr12-45796904-G-A.
Other names: c.1608G>A, p.Met536Ile (NM_001142678.2); c.1662G>A, p.Met554Ile (NM_001142679.2); c.1725G>A, p.Met575Ile (NM_001204803.2); c.1629G>A, p.Met543Ile (NM_001410973.1); c.1662G>A (NM_001025356.2); short protein forms M543I, M575I, M536I, M554I.
Identifiers: ClinVar variation 2175691 (VCV002175691.2), dbSNP rs148747682, ClinGen allele CA6525407.

ClinVar aggregate classification (germline): Uncertain significance. Review status: criteria provided, multiple submitters, no conflicts (2 of 4 stars). 2 submissions from 2 submitters: Uncertain significance (2). Last evaluated 2022-08-06.

Conditions:
Inborn genetic diseases. Identifiers: MedGen C0950123, MeSH D030342.

Allele frequency attached by ClinVar (database versions not stated): gnomAD exomes 0.00010; TOPMed 0.00010; gnomAD 0.00011; ExAC 0.00016; ESP Exome Variant Server 0.00023.
gnomAD v4.1: 166 of 1,613,852 alleles (0.01%); highest among the groups gnomAD compares: Non-Finnish European, 0.012%; no homozygotes.

Submissions (2):

Labcorp Genetics (formerly Invitae), Labcorp
Classification: Uncertain significance. Last evaluated: 2022-08-06. Review status: criteria provided, single submitter. Criteria: Invitae Variant Classification Sherloc (09022015). Collection method: clinical testing. Allele origin: germline.
Comment: This sequence change replaces methionine, which is neutral and non-polar, with isoleucine, which is neutral and non-polar, at codon 554 of the ANO6 protein (p.Met554Ile). This variant is present in population databases (rs148747682, gnomAD 0.03%). This variant has not been reported in the literature in individuals affected with ANO6-related conditions. Advanced modeling of protein sequence and biophysical properties (such as structural, functional, and spatial information, amino acid conservation, physicochemical variation, residue mobility, and thermodynamic stability) performed at Invitae indicates that this missense variant is not expected to disrupt ANO6 protein function. In summary, the available evidence is currently insufficient to determine the role of this variant in disease. Therefore, it has been classified as a Variant of Uncertain Significance.

Ambry Genetics
Classification: Uncertain significance for Inborn genetic diseases. Last evaluated: 2021-10-13. Review status: criteria provided, single submitter. Criteria: Ambry Variant Classification Scheme 2023. Collection method: clinical testing. Allele origin: germline.